The following is an entry in ClinVar:

NM_000369.5(TSHR):c.1348C>T (p.Arg450Cys)

Genes: TSHR (thyroid stimulating hormone receptor; plus strand), TSHR-AS1 (TSHR antisense RNA 1; minus strand). Cytogenetic location: 14q31.1.
Variant type: single nucleotide variant.
Coding change: c.1348C>T on transcript NM_000369.5 (MANE Select); coding-DNA position 1348, C replaced by T.
Protein change: p.Arg450Cys; replaces arginine 450 with cysteine.
Molecular consequence: missense variant.
Genome position (GRCh38, 1-based): chr14:81,143,406, C>T. VCF-style: chr14-81143406-C-T. GRCh37 (hg19) VCF-style: chr14-81609750-C-T.
Other names: short protein forms R450C.
Identifiers: ClinVar variation 4856893 (VCV004856893.2).

ClinVar aggregate classification (germline): Uncertain significance (1 of 4 stars; one submission).

Submission:

Dasa
Classification: Uncertain significance. Last evaluated: 2025-12-16. Review status: criteria provided, single submitter. Criteria: DASA Assertion Criteria. Collection method: clinical testing. Allele origin: germline.
Comment: NM_000369.5(TSHR):c.1348C>T (p.Arg450Cys) is a missense variant that results in the substitution of arginine with cysteine. The affected residue or protein region has prior evidence supporting clinical relevance. This variant has been reported in individuals with TSHR-related disorders (PMID: 25557138). Also, this variant is rare in population databases. Computational prediction algorithms are consistent with a deleterious effect. The currently available literature and clinical evidence are not sufficient to establish a definitive association between this variant and the reported condition. Therefore, this variant is classified as a variant of uncertain significance.

Literature cited by the submitters: PubMed 25557138.